The following is an entry in ClinVar:

ClinVar aggregate classification (germline): Likely benign (1 of 4 stars; one submission).

Conditions:
DLL1-related disorder. Also called: DLL1-related condition.

Submission:

PreventionGenetics, part of Exact Sciences
Classification: Likely benign for DLL1-related condition. Last evaluated: 2024-11-25. Review status: criteria provided, single submitter. Criteria: ACMG Guidelines, 2015. Collection method: clinical testing. Allele origin: germline.
Comment: This variant is classified as likely benign based on ACMG/AMP sequence variant interpretation guidelines (Richards et al. 2015 PMID: 25741868, with internal and published modifications).

NM_005618.4(DLL1):c.2061T>G (p.Ser687=)

Genes: DLL1 (delta like canonical Notch ligand 1; minus strand), LOC126859913 (P300/CBP strongly-dependent group 1 enhancer GRCh37_chr6:170591232-170592431; plus strand). Cytogenetic location: 6q27.
Variant type: single nucleotide variant.
Coding change: c.2061T>G on transcript NM_005618.4 (MANE Select); coding-DNA position 2061, T replaced by G.
Protein change: p.Ser687=; no amino-acid change (serine 687 retained).
Molecular consequence: synonymous variant.
Genome position (GRCh38, 1-based): chr6:170,283,093, A>C on the plus strand (T>G on the coding strand, the complement: DLL1 is on the minus strand). VCF-style: chr6-170283093-A-C. GRCh37 (hg19) VCF-style: chr6-170592181-A-C.
Identifiers: ClinVar variation 5002032 (VCV005002032.1).